The following is an entry in ClinVar:

ClinVar aggregate classification (germline): Likely benign (1 of 4 stars; one submission).

Allele frequency attached by ClinVar (database versions not stated): gnomAD 0.01077 and 0.01147; TOPMed 0.01214; 1000 Genomes Project 0.01238; 1000 Genomes Project 30x 0.01312.
gnomAD v4.1: 1,618 of 152,078 alleles (1.1%); highest among the groups gnomAD compares: African/African-American, 3.8%; 31 homozygotes.

Submission:

GeneDx
Classification: Likely benign. Last evaluated: 2018-06-14. Review status: criteria provided, single submitter. Criteria: GeneDx Variant Classification (06012015). Collection method: clinical testing. Allele origin: germline. Affected: yes.
Comment: This variant is considered likely benign or benign based on one or more of the following criteria: it is a conservative change, it occurs at a poorly conserved position in the protein, it is predicted to be benign by multiple in silico algorithms, and/or has population frequency not consistent with disease.

NM_000642.3(AGL):c.3700+236G>A

Gene: AGL (amylo-alpha-1,6-glucosidase and 4-alpha-glucanotransferase; plus strand). Cytogenetic location: 1p21.2.
Variant type: single nucleotide variant.
Coding change: c.3700+236G>A on transcript NM_000642.3 (MANE Select); 236 bases into the intron after coding-DNA position 3700, G replaced by A.
Molecular consequence: intron variant.
Genome position (GRCh38, 1-based): chr1:99,903,030, G>A. VCF-style: chr1-99903030-G-A. GRCh37 (hg19) VCF-style: chr1-100368586-G-A.
Other names: c.3700+236G>A (NM_000643.3, NM_000644.3, NM_001425325.1 and 1 more transcripts); c.3652+236G>A (NM_000646.3); c.3679+236G>A (NM_001425326.1); c.3499+236G>A (NM_001425327.1); c.3496+236G>A (NM_001425328.1); c.3361+236G>A (NM_001425329.1); c.3322+236G>A (NM_001425332.1).
Identifiers: ClinVar variation 679084 (VCV000679084.1), dbSNP rs112278239, ClinGen allele CA27541841.